The following is an entry in ClinVar:

ClinVar aggregate classification (germline): Likely benign. Review status: criteria provided, multiple submitters, no conflicts (2 of 4 stars). 2 submissions from 2 submitters: Likely benign (2). Last evaluated 2025-06-30.

Conditions:
Peroxisome biogenesis disorder 12A (Zellweger). Also called: Peroxisome biogenesis disorder 12A. Identifiers: Orphanet 912, MedGen C3554002, MONDO:0013951, OMIM 614886.
PEX19-related disorder. Also called: PEX19-related condition.

Allele frequency attached by ClinVar (database versions not stated): gnomAD exomes below 0.00001 and 0.00002; ExAC 0.00005; gnomAD 0.00006; TOPMed 0.00008; ESP Exome Variant Server 0.00015.

Submissions (2):

PreventionGenetics, part of Exact Sciences
Classification: Likely benign for PEX19-related condition. Last evaluated: 2025-06-30. Review status: criteria provided, single submitter. Criteria: ACMG Guidelines, 2015. Collection method: clinical testing. Allele origin: germline.
Comment: This variant is classified as likely benign based on ACMG/AMP sequence variant interpretation guidelines (Richards et al. 2015 PMID: 25741868, with internal and published modifications).

Labcorp Genetics (formerly Invitae), Labcorp
Classification: Likely benign for Peroxisome biogenesis disorder 12A (Zellweger). Last evaluated: 2024-09-15. Review status: criteria provided, single submitter. Criteria: Invitae Variant Classification Sherloc (09022015). Collection method: clinical testing. Allele origin: germline.

NM_002857.4(PEX19):c.348C>T (p.Gly116=)

Gene: PEX19 (peroxisomal biogenesis factor 19; minus strand). Cytogenetic location: 1q23.2.
Variant type: single nucleotide variant.
Coding change: c.348C>T on transcript NM_002857.4 (MANE Select); coding-DNA position 348, C replaced by T.
Protein change: p.Gly116=; no amino-acid change (glycine 116 retained).
Molecular consequence: synonymous variant. On other transcripts: non-coding transcript variant (1).
Genome position (GRCh38, 1-based): chr1:160,282,501, G>A on the plus strand (C>T on the coding strand, the complement: PEX19 is on the minus strand). VCF-style: chr1-160282501-G-A. GRCh37 (hg19) VCF-style: chr1-160252291-G-A.
Other names: c.348C>T, p.Gly116= (NM_001193644.1); c.348C>T (NM_002857.3).
Identifiers: ClinVar variation 1515124 (VCV001515124.7), dbSNP rs144361779, ClinGen allele CA1197384.